The following is an entry in ClinVar:

NM_000218.3(KCNQ1):c.1393+34464G>A

Genes: KCNQ1 (potassium voltage-gated channel subfamily Q member 1; plus strand), KCNQ1OT1 (KCNQ1 opposite strand/antisense transcript 1; minus strand). Cytogenetic location: 11p15.5.
Variant type: single nucleotide variant.
Coding change: c.1393+34464G>A on transcript NM_000218.3 (MANE Select); 34464 bases into the intron after coding-DNA position 1393, G replaced by A.
Molecular consequence: intron variant. On other transcripts: non-coding transcript variant (1).
Genome position (GRCh38, 1-based): chr11:2,623,318, G>A. VCF-style: chr11-2623318-G-A. GRCh37 (hg19) VCF-style: chr11-2644548-G-A.
Other names: c.1123+34464G>A (NM_001406837.1); c.1297+34464G>A (NM_001406836.1); c.853+34464G>A (NM_001406838.1); c.1012+34464G>A (NM_181798.2).
Identifiers: ClinVar variation 2641389 (VCV002641389.24), dbSNP rs770291429, ClinGen allele CA216363475.

ClinVar aggregate classification (germline): Likely benign (1 of 4 stars; one submission).

Allele frequency attached by ClinVar (database versions not stated): 1000 Genomes Project 30x 0.00016.
gnomAD v4.1: 97 of 398,576 alleles (0.024%); highest among the groups gnomAD compares: Non-Finnish European, 0.036%; no homozygotes.

Submission:

CeGaT Center for Human Genetics Tuebingen
Classification: Likely benign. Last evaluated: 2023-07-01. Review status: criteria provided, single submitter. Criteria: CeGaT Center For Human Genetics Tuebingen Variant Classification Criteria Version 2. Collection method: clinical testing. Allele origin: germline. Affected: yes. Observed: 1 variant allele.
Comment: KCNQ1OT1: BS2